The following is an entry in ClinVar:

NM_206933.4(USH2A):c.6806-3C>A

Gene: USH2A (usherin; minus strand). Cytogenetic location: 1q41.
Variant type: single nucleotide variant.
Coding change: c.6806-3C>A on transcript NM_206933.4 (MANE Select); 3 bases into the intron before coding-DNA position 6806, C replaced by A.
Molecular consequence: intron variant.
Genome position (GRCh38, 1-based): chr1:215,970,779, G>T on the plus strand (C>A on the coding strand, the complement: USH2A is on the minus strand). VCF-style: chr1-215970779-G-T. GRCh37 (hg19) VCF-style: chr1-216144121-G-T.
Identifiers: ClinVar variation 2816899 (VCV002816899.3), dbSNP rs775703386, ClinGen allele CA2739275603.

ClinVar aggregate classification (germline): Uncertain significance (1 of 4 stars; one submission).

Submission:

Labcorp Genetics (formerly Invitae), Labcorp
Classification: Uncertain significance. Last evaluated: 2023-04-06. Review status: criteria provided, single submitter. Criteria: Invitae Variant Classification Sherloc (09022015). Collection method: clinical testing. Allele origin: germline.
Comment: Variants that disrupt the consensus splice site are a relatively common cause of aberrant splicing (PMID: 17576681, 9536098). Algorithms developed to predict the effect of sequence changes on RNA splicing suggest that this variant may disrupt the consensus splice site. In summary, the available evidence is currently insufficient to determine the role of this variant in disease. Therefore, it has been classified as a Variant of Uncertain Significance. This variant has not been reported in the literature in individuals affected with USH2A-related conditions. This variant is not present in population databases (gnomAD no frequency). This sequence change falls in intron 35 of the USH2A gene. It does not directly change the encoded amino acid sequence of the USH2A protein. It affects a nucleotide within the consensus splice site.

Literature cited by the submitters: PubMed 17576681; PubMed 9536098.